The following is an entry in ClinVar:

ClinVar aggregate classification (germline): Uncertain significance (1 of 4 stars; one submission).

Submission:

Labcorp Genetics (formerly Invitae), Labcorp
Classification: Uncertain significance. Last evaluated: 2022-07-12. Review status: criteria provided, single submitter. Criteria: Invitae Variant Classification Sherloc (09022015). Collection method: clinical testing. Allele origin: germline.
Comment: This variant is not present in population databases (gnomAD no frequency). This sequence change replaces glutamine, which is neutral and polar, with leucine, which is neutral and non-polar, at codon 303 of the SLC44A4 protein (p.Gln303Leu). This variant has not been reported in the literature in individuals affected with SLC44A4-related conditions. In summary, the available evidence is currently insufficient to determine the role of this variant in disease. Therefore, it has been classified as a Variant of Uncertain Significance. Algorithms developed to predict the effect of missense changes on protein structure and function are either unavailable or do not agree on the potential impact of this missense change (SIFT: "Not Available"; PolyPhen-2: "Benign"; Align-GVGD: "Not Available"). ClinVar contains an entry for this variant (Variation ID: 1469382).

NM_025257.3(SLC44A4):c.908A>T (p.Gln303Leu)

Gene: SLC44A4 (solute carrier family 44 member 4; minus strand). Cytogenetic location: 6p21.33.
Variant type: single nucleotide variant.
Coding change: c.908A>T on transcript NM_025257.3 (MANE Select); coding-DNA position 908, A replaced by T.
Protein change: p.Gln303Leu; replaces glutamine 303 with leucine.
Molecular consequence: missense variant.
Genome position (GRCh38, 1-based): chr6:31,870,841, T>A on the plus strand (A>T on the coding strand, the complement: SLC44A4 is on the minus strand). VCF-style: chr6-31870841-T-A. GRCh37 (hg19) VCF-style: chr6-31838618-T-A.
Other names: c.782A>T, p.Gln261Leu (NM_001178044.2); c.680A>T, p.Gln227Leu (NM_001178045.2); short protein forms Q227L, Q261L, Q303L.
Identifiers: ClinVar variation 1469382 (VCV001469382.6), dbSNP rs2151562923, ClinGen allele CA363371379.
Genomic context (GRCh38, chr6:31,870,841, plus strand): 5'-CTGGTGGCTTGGGGGTGGGCAGGACACTCACGGGCGGCCAGCCAGGTCTCCTGCACGCTC[T>A]GGTAGGCACTGAGGTTGGTGGTGAAACCCAGCTGGGAGATGGAGGCGCCCTTGTCCCGCA-3'
Protein context (NP_079533.2, residues 293-313): LGFTTNLSAY[Gln303Leu]SVQETWLAAL